The following is an entry in ClinVar:

NM_005902.4(SMAD3):c.1154+3C>G

Gene: SMAD3 (SMAD family member 3; plus strand). Cytogenetic location: 15q22.33.
Variant type: single nucleotide variant.
Coding change: c.1154+3C>G on transcript NM_005902.4 (MANE Select); 3 bases into the intron after coding-DNA position 1154, C replaced by G.
Molecular consequence: intron variant.
Genome position (GRCh38, 1-based): chr15:67,187,512, C>G. VCF-style: chr15-67187512-C-G. GRCh37 (hg19) VCF-style: chr15-67479850-C-G.
Other names: c.839+3C>G (NM_001145102.2); c.1022+3C>G (NM_001145103.2); c.569+3C>G (NM_001145104.2).
Identifiers: ClinVar variation 1734779 (VCV001734779.2), dbSNP rs2505311347, ClinGen allele CA2580089927.

ClinVar aggregate classification (germline): Uncertain significance (1 of 4 stars; one submission).

Conditions:
Familial thoracic aortic aneurysm and aortic dissection (TAAD). Also called: Thoracic aortic aneurysms and dissections. Identifiers: Orphanet 91387, MedGen C4707243, MONDO:0019625.

Submission:

Ambry Genetics
Classification: Uncertain significance for Familial thoracic aortic aneurysm and aortic dissection. Last evaluated: 2022-06-06. Review status: criteria provided, single submitter. Criteria: Ambry Variant Classification Scheme 2023. Collection method: clinical testing. Allele origin: germline.
Comment: The c.1154+3C>G intronic variant results from a C to G substitution 3 nucleotides after coding exon 8 in the SMAD3 gene. This nucleotide position is well conserved in available vertebrate species. In silico splice site analysis predicts that this alteration will not have any significant effect on splicing. Since supporting evidence is limited at this time, the clinical significance of this alteration remains unclear.